The following is an entry in ClinVar:

NM_006757.4(TNNT3):c.745G>T (p.Ala249Ser)

Gene: TNNT3 (troponin T3, fast skeletal type; plus strand). Cytogenetic location: 11p15.5.
Variant type: single nucleotide variant.
Coding change: c.745G>T on transcript NM_006757.4 (MANE Select); coding-DNA position 745, G replaced by T.
Protein change: p.Ala249Ser; replaces alanine 249 with serine.
Molecular consequence: missense variant.
Genome position (GRCh38, 1-based): chr11:1,938,460, G>T. VCF-style: chr11-1938460-G-T. GRCh37 (hg19) VCF-style: chr11-1959690-G-T.
Other names: c.721G>T, p.Ala241Ser (NM_001042780.3, NM_001042782.3, NM_001297646.2 and 2 more transcripts); c.739G>T, p.Ala247Ser (NM_001042781.3, NM_001367842.1, NM_001367843.1); c.754G>T, p.Ala252Ser (NM_001363561.2, NM_001367847.1); c.778G>T, p.Ala260Ser (NM_001367846.1); c.742G>T, p.Ala248Ser (NM_001367848.1); c.733G>T, p.Ala245Ser (NM_001367849.1); c.688G>T, p.Ala230Ser (NM_001367850.1); c.541G>T, p.Ala181Ser (NM_001367851.1, NM_001367852.1); short protein forms A230S, A247S, A248S, A252S, A245S, A260S, A181S, A241S.
Identifiers: ClinVar variation 4701885 (VCV004701885.1).
Genomic context (GRCh38, chr11:1,938,460, plus strand): 5'-GCCCTGACCCTGAAGGATCACTTGCTTCCCATTTGCAGCAGCAAGAAGGCTGGGACCCCA[G>T]CCAAGGGCAAAGTCGGCGGGCGCTGGAAGTAGAGAGGCCAGAAAGGCCCCTCGAGGCAGA-3'
Protein context (NP_006748.1, residues 239-258): QKHSKKAGTP[Ala249Ser]KGKVGGRWK

ClinVar aggregate classification (germline): Uncertain significance (1 of 4 stars; one submission).

Submission:

Labcorp Genetics (formerly Invitae), Labcorp
Classification: Uncertain significance. Last evaluated: 2025-03-05. Review status: criteria provided, single submitter. Criteria: Invitae Variant Classification Sherloc (09022015). Collection method: clinical testing. Allele origin: germline.
Comment: This sequence change replaces alanine, which is neutral and non-polar, with serine, which is neutral and polar, at codon 249 of the TNNT3 protein (p.Ala249Ser). This variant is not present in population databases (gnomAD no frequency). This variant has not been reported in the literature in individuals affected with TNNT3-related conditions. An algorithm developed to predict the effect of missense changes on protein structure and function (PolyPhen-2) suggests that this variant is likely to be tolerated. In summary, the available evidence is currently insufficient to determine the role of this variant in disease. Therefore, it has been classified as a Variant of Uncertain Significance.